The following is an entry in ClinVar:

NM_004453.4(ETFDH):c.1657T>C (p.Tyr553His)

Gene: ETFDH (electron transfer flavoprotein dehydrogenase; plus strand). Cytogenetic location: 4q32.1.
Variant type: single nucleotide variant.
Coding change: c.1657T>C on transcript NM_004453.4 (MANE Select); coding-DNA position 1657, T replaced by C.
Protein change: p.Tyr553His; replaces tyrosine 553 with histidine.
Molecular consequence: missense variant.
Genome position (GRCh38, 1-based): chr4:158,706,817, T>C. VCF-style: chr4-158706817-T-C. GRCh37 (hg19) VCF-style: chr4-159627969-T-C.
Other names: c.1516T>C, p.Tyr506His (NM_001281737.2); c.1474T>C, p.Tyr492His (NM_001281738.1); c.1657T>C (NM_004453.3); short protein forms Y492H, Y553H, Y506H.
Identifiers: ClinVar variation 1517130 (VCV001517130.13), dbSNP rs182913453, ClinGen allele CA3122680.

ClinVar aggregate classification (germline): Pathogenic/Likely pathogenic. Review status: criteria provided, multiple submitters, no conflicts (2 of 4 stars). 6 submissions from 6 submitters: Pathogenic (1); Likely pathogenic (5). Last evaluated 2026-01-19.

Conditions:
Glutaric acidemia type 2C.
ETFDH-related disorder. Also called: ETFDH-related condition.
Multiple acyl-CoA dehydrogenase deficiency (MADD). Also called: ETHYLMALONIC-ADIPICACIDURIA; GA II; Glutaric aciduria, type 2; Glutaric Acidemia type 2; Glutaric acidemia type II; GA 2. Identifiers: Orphanet 26791, MedGen C0268596, MONDO:0009282, OMIM 231680.

Allele frequency attached by ClinVar (database versions not stated): gnomAD exomes 0.00002 and 0.00014; gnomAD 0.00004 and 0.00005; TOPMed 0.00008; ExAC 0.00016; 1000 Genomes Project 0.00020; 1000 Genomes Project 30x 0.00031.

Submissions (6):

Labcorp Genetics (formerly Invitae), Labcorp
Classification: Likely pathogenic for Multiple acyl-CoA dehydrogenase deficiency. Last evaluated: 2026-01-19. Review status: criteria provided, single submitter. Criteria: Invitae Variant Classification Sherloc (09022015). Collection method: clinical testing. Allele origin: germline.
Comment: This sequence change replaces tyrosine, which is neutral and polar, with histidine, which is basic and polar, at codon 553 of the ETFDH protein (p.Tyr553His). This variant is present in population databases (rs182913453, gnomAD 0.2%). This missense change has been observed in individuals with clinical features of multiple acyl-CoA dehydrogenase deficiency (PMID: 24357026, 28899466, 33823107). This variant is also known as c.1474T>C. ClinVar contains an entry for this variant (Variation ID: 1517130). Invitae Evidence Modeling of protein sequence and biophysical properties (such as structural, functional, and spatial information, amino acid conservation, physicochemical variation, residue mobility, and thermodynamic stability) has been performed for this missense variant. However, the output from this modeling did not meet the statistical confidence thresholds required to predict the impact of this variant on ETFDH protein function. This variant disrupts the p.Tyr553 amino acid residue in ETFDH. Other variant(s) that disrupt this residue have been observed in individuals with ETFDH-related conditions (PMID: 24357026, 34041209), which suggests that this may be a clinically significant amino acid residue. In summary, the currently available evidence indicates that the variant is pathogenic, but additional data are needed to prove that conclusively. Therefore, this variant has been classified as Likely Pathogenic.

Natera, Inc.
Classification: Likely pathogenic for Glutaric acidemia type 2C. Last evaluated: 2025-12-16. Review status: criteria provided, single submitter. Criteria: Natera Variant Classification Schema (03/2026). Collection method: clinical testing. Allele origin: germline.
Comment: The c.1657T>C variant in ETFDH is a missense variant predicted to cause substitution of tyrosine to histidine at amino acid 553. This variant is rare in the general population with a frequency below the threshold expected for the associated phenotype(s). This variant has been observed in one or more individuals affected with the associated recessive disease, as either homozygous or compound heterozygous with a second variant (PMID: 30904546, 28899466, 36334790). Computational prediction algorithms indicate this variant is likely to affect gene or protein function. Given the available evidence, this variant is classified as Likely Pathogenic.

PreventionGenetics, part of Exact Sciences
Classification: Likely pathogenic for ETFDH-related condition. Last evaluated: 2025-09-16. Review status: criteria provided, single submitter. Criteria: ACMG Guidelines, 2015. Collection method: clinical testing. Allele origin: germline.
Comment: The ETFDH c.1657T>C variant is predicted to result in the amino acid substitution p.Tyr553His. This variant is alternatively referred to as c.1474T>C (p.Tyr492His) in the literature. It has been reported in the compound heterozygous state in several individuals with multiple acyl-CoA dehydrogenase deficiency (MADD) (Table S2, Xi et al. 2014. PubMed ID: 24357026; Cheng et al. 2017. PubMed ID: 28899466). This variant was also reported, along with a second heterozygous variant in the same gene, in an individual with multiple acyl-CoA dehydrogenase deficiency (Lin et al. 2021. PubMed ID: 33823107). This variant is reported in 0.21% of alleles in individuals of East Asian descent in gnomAD. An alternate missense at the same amino acid position (c.1658A>G; p.Tyr553Cys) has been reported in the homozygous state in an individual with late-onset riboflavin-responsive MADD (Siano et al. 2021. PubMed ID: 34041209). This variant is interpreted as likely pathogenic.

Victorian Clinical Genetics Services, Murdoch Childrens Research Institute
Classification: Likely pathogenic for Multiple acyl-CoA dehydrogenase deficiency. Last evaluated: 2025-04-17. Review status: criteria provided, single submitter. Criteria: ACMG Guidelines, 2015. Collection method: clinical testing. Allele origin: germline.
Comment: This variant is classified as Likely pathogenic. Evidence in support of pathogenic classification: Variant is present in gnomAD <0.01 for a recessive condition (v2: 42 heterozygote(s), 0 homozygote(s)); This variant has strong previous evidence of pathogenicity in unrelated individuals. This variant has been classified as likely pathogenic by clinical laboratories in ClinVar. This variant has also been reported in multiple unrelated compound heterozygous individuals with multiple acyl-CoA dehydrogenase deficiency (PMID: 38187300, 24357026); Missense variant predicted to be damaging by in silico tool(s) or highly conserved with a major amino acid change. Additional information: Variant is predicted to result in a missense amino acid change from tyrosine to histidine; This variant is heterozygous; This gene is associated with autosomal recessive disease; No published segregation evidence has been identified for this variant; No published functional evidence has been identified for this variant; No comparable missense variants have previous evidence for pathogenicity; Variant is located in the annotated electron transfer flavoprotein-ubiquinone oxidoreductase, 4Fe-4S domain (DECIPHER); Loss of function is a known mechanism of disease in this gene and is associated with glutaric acidemia IIC (MIM#231680), also known as multiple acyl-CoA dehydrogenase deficiency (MADD); Variants in this gene are known to have variable expressivity and can present with high variability in age and severity of symptoms (OMIM, PMID: 33823724, 25200064).

Baylor Genetics
Classification: Likely pathogenic for Multiple acyl-CoA dehydrogenase deficiency. Last evaluated: 2024-03-21. Review status: criteria provided, single submitter. Criteria: ACMG Guidelines, 2015. Collection method: clinical testing. Allele origin: unknown.

Juno Genomics, Hangzhou Juno Genomics, Inc
Classification: Pathogenic for Multiple acyl-CoA dehydrogenase deficiency. Review status: criteria provided, single submitter. Criteria: ACMG Guidelines, 2015. Collection method: clinical testing. Allele origin: germline.
Comment: Multiple lines of computational evidence support a deleterious effect on the gene or gene product.;For recessive disorders, detected in trans with a pathogenic variant.;Patient's phenotype or family history is highly specific for a disease with a single genetic etiology.

Literature cited by the submitters: PubMed 24357026 (cited by Labcorp Genetics (formerly Invitae), Labcorp); PubMed 28899466 (cited by Labcorp Genetics (formerly Invitae), Labcorp and Natera, Inc.); PubMed 33823107 (cited by Labcorp Genetics (formerly Invitae), Labcorp); PubMed 34041209 (cited by Labcorp Genetics (formerly Invitae), Labcorp); PubMed 30904546 (cited by Natera, Inc.); PubMed 36334790 (cited by Natera, Inc.); PubMed 25200064 (cited by Victorian Clinical Genetics Services, Murdoch Childrens Research Institute); PubMed 33823724 (cited by Victorian Clinical Genetics Services, Murdoch Childrens Research Institute).